The following is an entry in ClinVar:

ClinVar aggregate classification (germline): Uncertain significance (1 of 4 stars; one submission).

Allele frequency attached by ClinVar (database versions not stated): gnomAD exomes below 0.00001; gnomAD 0.00001.
gnomAD v4.1: 4 of 1,613,226 alleles (0.00025%); highest among the groups gnomAD compares: Middle Eastern, 0.016%; no homozygotes.

Submission:

Labcorp Genetics (formerly Invitae), Labcorp
Classification: Uncertain significance. Last evaluated: 2025-04-07. Review status: criteria provided, single submitter. Criteria: Invitae Variant Classification Sherloc (09022015). Collection method: clinical testing. Allele origin: germline.
Comment: This sequence change replaces threonine, which is neutral and polar, with methionine, which is neutral and non-polar, at codon 190 of the CHRM2 protein (p.Thr190Met). This variant is present in population databases (no rsID available, gnomAD 0.003%). This variant has not been reported in the literature in individuals affected with CHRM2-related conditions. ClinVar contains an entry for this variant (Variation ID: 850977). An algorithm developed to predict the effect of missense changes on protein structure and function (PolyPhen-2) suggests that this variant is likely to be disruptive. In summary, the available evidence is currently insufficient to determine the role of this variant in disease. Therefore, it has been classified as a Variant of Uncertain Significance.

NM_001006630.2(CHRM2):c.569C>T (p.Thr190Met)

Genes: CHRM2 (cholinergic receptor muscarinic 2; plus strand), LOC349160 (uncharacterized LOC349160; minus strand). Cytogenetic location: 7q33.
Variant type: single nucleotide variant.
Coding change: c.569C>T on transcript NM_001006630.2 (MANE Select); coding-DNA position 569, C replaced by T.
Protein change: p.Thr190Met; replaces threonine 190 with methionine.
Molecular consequence: missense variant.
Genome position (GRCh38, 1-based): chr7:137,015,434, C>T. VCF-style: chr7-137015434-C-T. GRCh37 (hg19) VCF-style: chr7-136700181-C-T.
Other names: c.569C>T, p.Thr190Met (NM_000739.3, NM_001006626.3, NM_001006627.3 and 6 more transcripts); short protein forms T190M.
Identifiers: ClinVar variation 850977 (VCV000850977.9), dbSNP rs1394629702, ClinGen allele CA369486794.
Genomic context (GRCh38, chr7:137,015,434, plus strand): 5'-CTGTGGAGGATGGGGAGTGCTACATTCAGTTTTTTTCCAATGCTGCTGTCACCTTTGGTA[C>T]GGCTATTGCAGCCTTCTATTTGCCAGTGATCATCATGACTGTGCTATATTGGCACATATC-3'
Protein context (NP_001006631.1, residues 180-200): FFSNAAVTFG[Thr190Met]AIAAFYLPVI